The following is an entry in ClinVar:

ClinVar aggregate classification (germline): Benign (0 of 4 stars; one submission).

Conditions:
TNRC6B-related disorder. Also called: TNRC6B-related condition.

Allele frequency attached by ClinVar (database versions not stated): gnomAD exomes 0.00086; ExAC 0.00370; ESP Exome Variant Server 0.00459; gnomAD 0.00576; TOPMed 0.00702; 1000 Genomes Project 0.00839; 1000 Genomes Project 30x 0.00874.
gnomAD v4.1: 2,145 of 1,528,240 alleles (0.14%); highest among the groups gnomAD compares: African/African-American, 2%; 27 homozygotes.

Submission:

PreventionGenetics, part of Exact Sciences
Classification: Benign for TNRC6B-related condition. Last evaluated: 2019-06-06. Review status: no assertion criteria provided. Collection method: clinical testing. Allele origin: germline.
Comment: This variant is classified as benign based on ACMG/AMP sequence variant interpretation guidelines (Richards et al. 2015 PMID: 25741868, with internal and published modifications).

NM_001162501.2(TNRC6B):c.2911T>C (p.Ser971Pro)

Gene: TNRC6B (trinucleotide repeat containing adaptor 6B; plus strand). Cytogenetic location: 22q13.1.
Variant type: single nucleotide variant.
Coding change: c.2911T>C on transcript NM_001162501.2 (MANE Select); coding-DNA position 2911, T replaced by C.
Protein change: p.Ser971Pro; replaces serine 971 with proline.
Molecular consequence: missense variant. On other transcripts: intron variant (1).
Genome position (GRCh38, 1-based): chr22:40,270,226, T>C. VCF-style: chr22-40270226-T-C. GRCh37 (hg19) VCF-style: chr22-40666230-T-C.
Other names: c.670T>C, p.Ser224Pro (NM_001024843.2); c.2806+3190T>C (NM_015088.3); short protein forms S224P, S971P.
Identifiers: ClinVar variation 3043982 (VCV003043982.2), dbSNP rs140403953, ClinGen allele CA10246916.
Genomic context (GRCh38, chr22:40,270,226, plus strand): 5'-GCTTGGGGTGAGCCAAATGAAAGCAGTCCTGGGTGGGGCGAGATGGATGATACAGGAGCA[T>C]CGACCACAGGCTGGGGGAACACGCCCGCCAACGCTCCCAATGCCATGAAGCCTAGTAAGT-3'
Protein context (NP_001155973.1, residues 961-981): GWGEMDDTGA[Ser971Pro]TTGWGNTPAN